The following is an entry in ClinVar:

ClinVar aggregate classification (germline): Uncertain significance (1 of 4 stars; one submission).

Allele frequency attached by ClinVar (database versions not stated): gnomAD exomes below 0.00001; ExAC 0.00001; gnomAD 0.00001; TOPMed 0.00001.
gnomAD v4.1: 6 of 1,611,778 alleles (0.00037%); highest among the groups gnomAD compares: Non-Finnish European, 0.00051%; no homozygotes.

Submission:

GeneDx
Classification: Uncertain significance. Last evaluated: 2018-05-08. Review status: criteria provided, single submitter. Criteria: GeneDx Variant Classification Process June 2021. Collection method: clinical testing. Allele origin: germline. Affected: yes.
Comment: In silico analysis, which includes protein predictors and evolutionary conservation, supports a deleterious effect; Has not been previously published as pathogenic or benign to our knowledge

NM_014159.7(SETD2):c.4628G>A (p.Arg1543Gln)

Gene: SETD2 (SET domain containing 2, histone lysine methyltransferase; minus strand). Cytogenetic location: 3p21.31.
Variant type: single nucleotide variant.
Coding change: c.4628G>A on transcript NM_014159.7 (MANE Select); coding-DNA position 4628, G replaced by A.
Protein change: p.Arg1543Gln; replaces arginine 1543 with glutamine.
Molecular consequence: missense variant. On other transcripts: non-coding transcript variant (1).
Genome position (GRCh38, 1-based): chr3:47,113,963, C>T on the plus strand (G>A on the coding strand, the complement: SETD2 is on the minus strand). VCF-style: chr3-47113963-C-T. GRCh37 (hg19) VCF-style: chr3-47155453-C-T.
Other names: c.4496G>A, p.Arg1499Gln (NM_001349370.3); short protein forms R1499Q, R1543Q.
Identifiers: ClinVar variation 1187244 (VCV001187244.2), dbSNP rs752011468, ClinGen allele CA2363156.